The following is an entry in ClinVar:

NM_001843.4(CNTN1):c.1956A>G (p.Ala652=)

Gene: CNTN1 (contactin 1; plus strand). Cytogenetic location: 12q12.
Variant type: single nucleotide variant.
Coding change: c.1956A>G on transcript NM_001843.4 (MANE Select); coding-DNA position 1956, A replaced by G.
Protein change: p.Ala652=; no amino-acid change (alanine 652 retained).
Molecular consequence: synonymous variant.
Genome position (GRCh38, 1-based): chr12:40,981,060, A>G. VCF-style: chr12-40981060-A-G. GRCh37 (hg19) VCF-style: chr12-41374862-A-G.
Other names: c.1923A>G, p.Ala641= (NM_175038.2).
Identifiers: ClinVar variation 128793 (VCV000128793.18), dbSNP rs2229930, ClinGen allele CA152442.

ClinVar aggregate classification (germline): Benign. Review status: criteria provided, multiple submitters, no conflicts (2 of 4 stars). 5 submissions from 5 submitters: Benign (5). Last evaluated 2026-02-03.

Conditions:
Compton-North congenital myopathy (CMYO12). Identifiers: Orphanet 210163, MedGen C2675527, MONDO:0012929, OMIM 612540.

Allele frequency attached by ClinVar (database versions not stated): 1000 Genomes Project 0.02955; 1000 Genomes Project 30x 0.02983; gnomAD 0.03222 and 0.03280; TOPMed 0.03398; ESP Exome Variant Server 0.03537; gnomAD exomes 0.03990 and 0.04233; ExAC 0.04064.
gnomAD v4.1: 66,708 of 1,612,264 alleles (4.1%); highest among the groups gnomAD compares: Middle Eastern, 9.3%; 1,611 homozygotes.

Submissions (5):

Labcorp Genetics (formerly Invitae), Labcorp
Classification: Benign for Compton-North congenital myopathy. Last evaluated: 2026-02-03. Review status: criteria provided, single submitter. Criteria: Invitae Variant Classification Sherloc (09022015). Collection method: clinical testing. Allele origin: germline.

GeneDx
Classification: Benign. Last evaluated: 2016-02-17. Review status: criteria provided, single submitter. Criteria: GeneDx Variant Classification (06012015). Collection method: clinical testing. Allele origin: germline. Affected: yes.
Comment: This variant is considered likely benign or benign based on one or more of the following criteria: it is a conservative change, it occurs at a poorly conserved position in the protein, it is predicted to be benign by multiple in silico algorithms, and/or has population frequency not consistent with disease.

Genetic Services Laboratory, University of Chicago
Classification: Benign for AllHighlyPenetrant. Last evaluated: 2013-08-20. Review status: criteria provided, single submitter. Criteria: ACMG Guidelines, 2007. Collection method: clinical testing. Allele origin: germline. Inheritance: Autosomal recessive inheritance.

Breakthrough Genomics
Classification: Benign. Review status: criteria provided, single submitter. Criteria: ACMG Guidelines, 2015. Collection method: not provided. Allele origin: germline. Inheritance: Autosomal recessive inheritance. Affected: yes.

PreventionGenetics, part of Exact Sciences
Classification: Benign. Review status: criteria provided, single submitter. Criteria: ACMG Guidelines, 2015. Collection method: clinical testing. Allele origin: germline.